The following is an entry in ClinVar:

NM_001985.3(ETFB):c.555G>A (p.Leu185=)

Gene: ETFB (electron transfer flavoprotein subunit beta; minus strand). Cytogenetic location: 19q13.41.
Variant type: single nucleotide variant.
Coding change: c.555G>A on transcript NM_001985.3 (MANE Select); coding-DNA position 555, G replaced by A.
Protein change: p.Leu185=; no amino-acid change (leucine 185 retained).
Molecular consequence: synonymous variant.
Genome position (GRCh38, 1-based): chr19:51,346,942, C>T on the plus strand (G>A on the coding strand, the complement: ETFB is on the minus strand). VCF-style: chr19-51346942-C-T. GRCh37 (hg19) VCF-style: chr19-51850196-C-T.
Other names: p.Leu185=; c.828G>A, p.Leu276= (NM_001014763.1).
Identifiers: ClinVar variation 4684398 (VCV004684398.1).
Genomic context (GRCh38, chr19:51,346,942, plus strand): 5'-CGCTGGCCAGGGGCTCACCATGATGTTGGGCAGCGTGGCGTAGCGGGGCTCGTTGAGCCT[C>T]AGGTCAGCTGTCACCACAGCTGGCAGCTTCAGGCGCAGGGTCTCCAGGCCCCCATCGATC-3'
Protein context (NP_001976.1, residues 175-195): LKLPAVVTAD[Leu185=]RLNEPRYATL

ClinVar aggregate classification (germline): Likely benign (1 of 4 stars; one submission).

Submission:

Mayo Clinic Laboratories, Mayo Clinic
Classification: Likely benign. Last evaluated: 2025-08-04. Review status: criteria provided, single submitter. Criteria: ACMG Guidelines, 2015. Collection method: clinical testing. Allele origin: germline. Observed: 1 variant allele.
Comment: BP4, BP7